The following is an entry in ClinVar:

NM_000329.3(RPE65):c.89dup (p.Thr31fs)

Gene: RPE65 (retinoid isomerohydrolase RPE65; minus strand). Cytogenetic location: 1p31.3.
Variant type: Duplication.
Coding change: c.89dup on transcript NM_000329.3 (MANE Select); coding-DNA position 89, one base duplicated (T; older notation c.89dupT).
Protein change: p.Thr31fs; shifts the reading frame from threonine 31.
Molecular consequence: frameshift variant.
Genome position (GRCh38, 1-based): chr1:68,448,629, A duplicated on the plus strand (T on the coding strand, the reverse complement: RPE65 is on the minus strand). VCF-style (leftmost placement, unchanged base first): chr1-68448628-T-TA. GRCh37 (hg19) VCF-style: chr1-68914311-T-TA.
Other names: NM_000329.3(RPE65):c.89dup; p.Thr31fs; c.89dup (NM_000329.2); c.89dupT (NM_000329.2); short protein forms T31fs.
Identifiers: ClinVar variation 98898 (VCV000098898.11), dbSNP rs281865286, ClinGen allele CA226588.

ClinVar aggregate classification (germline): Pathogenic. Review status: reviewed by expert panel (3 of 4 stars). 9 submissions from 9 submitters: Pathogenic (1). 8 of the submissions do not count toward it. Last evaluated 2024-02-20.

Conditions:
RPE65-related disorder. Also called: RPE65-related disorders; RPE65-related condition. Identifiers: MedGen CN239301.
RPE65-related recessive retinopathy. Also called: Recessive RPE65 retinopathy. Identifiers: MedGen CN305526, MONDO:0100368.
Retinitis pigmentosa 20 (RP20). Identifiers: Orphanet 791, MedGen C3151086, MONDO:0013425, OMIM 613794.
Retinitis pigmentosa 87 with choroidal involvement. Identifiers: MedGen C5231465, MONDO:0032873, OMIM 618697.
Leber congenital amaurosis 2 (LCA2). Also called: Autosomal Recessive RPE65-Related Retinal Degeneration; AMAUROSIS CONGENITA OF LEBER II. Identifiers: Orphanet 65, MedGen C1859844, MONDO:0008765, OMIM 204100. Disease mechanism: loss of function.
Leber congenital amaurosis (LCA). Also called: Leber's amaurosis. Identifiers: Orphanet 65, MedGen C0339527, MeSH D057130, MONDO:0018998.

Submissions (9):

ClinGen Leber Congenital Amaurosis/early Onset Retinal Dystrophy Variant Curation Expert Panel, ClinGen
Classification: Pathogenic for RPE65-related recessive retinopathy. Last evaluated: 2024-02-20. Review status: reviewed by expert panel. Criteria: ClinGen LCAeoRD ACMG Specifications RPE65 V1.0.0. Collection method: curation. Allele origin: germline. Inheritance: Autosomal recessive inheritance.
Comment: NM_000329.3(RPE65):c.89dup (p.Thr31fs) is a frameshift variant that introduces a premature stop codon into exon 2 of 14, and is predicted to lead to nonsense-mediated decay in a gene in which loss-of-function is an established mechanism of disease (PVS1). This variant is absent from gnomAD v2.1.1 (PM2_Supporting). At least one proband harboring this variant exhibits a phenotype including diagnosis of cone-rod dystrophy, nyctalopia, RPE mottling (0.5 pts), abnormal color vision (1 pt), absence of fundus autofluorescence (2 pts), and infantile onset (1 pt), which together are specific for RPE65-related recessive retinopathy (4.5 total pts, PMID: 17525851, PMID: 15288992, PP4). In summary, this variant meets the criteria to be classified as pathogenic for RPE65-related recessive retinopathy based on the ACMG/AMP criteria applied, as specified by the ClinGen LCA / eoRD VCEP: PVS1, PM2_Supporting and PP4. (VCEP specifications version 1.0.0; date of approval 09/21/2023).

Natera, Inc.
Classification: Pathogenic for Leber congenital amaurosis. Last evaluated: 2024-12-05. Review status: criteria provided, single submitter. Criteria: Natera Variant Classification Schema (03/2026). Collection method: clinical testing. Allele origin: germline. Not counted in ClinVar's aggregate classification.
Comment: The c.89dupT variant in RPE65 is a frameshift variant predicted to shift the reading frame beginning at codon 31 and leads to a stop codon 21 codons downstream. This variant is expected to result in nonsense mediated decay, truncation, or a dysfunctional protein product. This variant is rare in the general population with a frequency below the threshold expected for the associated phenotype(s). This variant has been observed in one or more individuals affected with the associated recessive disease, as either homozygous or compound heterozygous with a second variant (PMID: 15288992). Given the available evidence, this variant is classified as Pathogenic.

Fulgent Genetics
Classification: Pathogenic for Leber congenital amaurosis 2; Retinitis pigmentosa 20; Retinitis pigmentosa 87 with choroidal involvement. Last evaluated: 2024-06-05. Review status: criteria provided, single submitter. Criteria: ACMG Guidelines, 2015. Collection method: clinical testing. Allele origin: germline. Not counted in ClinVar's aggregate classification.

Myriad Genetics, Inc.
Classification: Pathogenic for RPE65-related recessive retinopathy. Last evaluated: 2024-05-14. Review status: criteria provided, single submitter. Criteria: Myriad Autosomal Dominant, Autosomal Recessive and X-Linked Classification Criteria (2023). Collection method: clinical testing. Allele origin: unknown. Not counted in ClinVar's aggregate classification.
Comment: NM_000329.2(RPE65):c.89dupT(T31Nfs*21) is expected to be pathogenic in the context of inherited retinal dystrophy, RPE65-related. This variant is predicted to lead to an abnormal or absent protein product due to the creation of a premature termination codon in RPE65, a gene where loss-of-function variants are known to be pathogenic. Please note: this variant was assessed in the context of healthy population screening.

Baylor Genetics
Classification: Pathogenic for Leber congenital amaurosis 2. Last evaluated: 2024-03-26. Review status: criteria provided, single submitter. Criteria: ACMG Guidelines, 2015. Collection method: clinical testing. Allele origin: unknown. Not counted in ClinVar's aggregate classification.

Labcorp Genetics (formerly Invitae), Labcorp
Classification: Pathogenic for Leber congenital amaurosis 2; Retinitis pigmentosa 20. Last evaluated: 2023-08-29. Review status: criteria provided, single submitter. Criteria: Invitae Variant Classification Sherloc (09022015). Collection method: clinical testing. Allele origin: germline. Not counted in ClinVar's aggregate classification.
Comment: This sequence change creates a premature translational stop signal (p.Thr31Asnfs*21) in the RPE65 gene. It is expected to result in an absent or disrupted protein product. Loss-of-function variants in RPE65 are known to be pathogenic (PMID: 9326941, 9501220, 9843205, 18632300). This variant is not present in population databases (gnomAD no frequency). This premature translational stop signal has been observed in individual(s) with retinitis pigmentosa (PMID: 9326941). This variant is also known as ins144T. ClinVar contains an entry for this variant (Variation ID: 98898). For these reasons, this variant has been classified as Pathogenic.

Blueprint Genetics
Classification: Pathogenic for RPE65-related disorders. Last evaluated: 2021-06-11. Review status: criteria provided, single submitter. Criteria: ACMG Guidelines, 2015. Collection method: clinical testing. Allele origin: germline. Affected: yes. Observed: 1 variant allele. Not counted in ClinVar's aggregate classification.

Ocular Genomics Institute, Massachusetts Eye and Ear
Classification: Likely pathogenic for Retinitis pigmentosa 20. Last evaluated: 2021-04-08. Review status: criteria provided, single submitter. Criteria: ACMG Guidelines, 2015. Collection method: research. Allele origin: germline. Affected: yes. Not counted in ClinVar's aggregate classification.
Comment: Through a review of available evidence we were able to apply the following criteria: PVS1, PM2. Based on this evidence we have classified this variant as Likely Pathogenic.

Retina International
No classification provided. Review status: no classification provided. Collection method: not provided. Allele origin: not provided. Not counted in ClinVar's aggregate classification.

Literature cited by the submitters: PubMed 15288992 (cited by Natera, Inc.); PubMed 9326941 (cited by Labcorp Genetics (formerly Invitae), Labcorp); PubMed 9501220 (cited by Labcorp Genetics (formerly Invitae), Labcorp); PubMed 9843205 (cited by Labcorp Genetics (formerly Invitae), Labcorp); PubMed 18632300 (cited by Labcorp Genetics (formerly Invitae), Labcorp).